The following is an entry in ClinVar:

NM_002241.5(KCNJ10):c.321_322del (p.Val109fs)

Gene: KCNJ10 (potassium inwardly rectifying channel subfamily J member 10; minus strand). Cytogenetic location: 1q23.2.
Variant type: Deletion.
Coding change: c.321_322del on transcript NM_002241.5 (MANE Select); coding-DNA positions 321 to 322, 2 bases deleted (CT; older notation c.321_322delCT).
Protein change: p.Val109fs; shifts the reading frame from valine 109.
Molecular consequence: frameshift variant.
Genome position (GRCh38, 1-based): chr1:160,042,211-160,042,212, AG deleted on the plus strand (CT on the coding strand, the reverse complement: KCNJ10 is on the minus strand). VCF-style (leftmost placement, unchanged base first): chr1-160042210-CAG-C. GRCh37 (hg19) VCF-style: chr1-160012000-CAG-C.
Other names: short protein forms V109fs.
Identifiers: ClinVar variation 841424 (VCV000841424.10), dbSNP rs1648624751, ClinGen allele CA916082090.

ClinVar aggregate classification (germline): Pathogenic (1 of 4 stars; one submission).

Conditions:
EAST syndrome (SESAMES). Also called: SEIZURES, SENSORINEURAL DEAFNESS, ATAXIA, IMPAIRED INTELLECTUAL DEVELOPMENT, AND ELECTROLYTE IMBALANCE. Identifiers: Orphanet 199343, MedGen C2748572, MONDO:0013005, OMIM 612780.

Allele frequency attached by ClinVar (database versions not stated): gnomAD exomes below 0.00001.

Submission:

Labcorp Genetics (formerly Invitae), Labcorp
Classification: Pathogenic for EAST syndrome. Last evaluated: 2023-08-24. Review status: criteria provided, single submitter. Criteria: Invitae Variant Classification Sherloc (09022015). Collection method: clinical testing. Allele origin: germline.
Comment: ClinVar contains an entry for this variant (Variation ID: 841424). This variant disrupts a region of the KCNJ10 protein in which other variant(s) (p.R199*) have been determined to be pathogenic (PMID: 19289823, 20651251, 20678478, 20807765, 21088294, 23924083). This suggests that this is a clinically significant region of the protein, and that variants that disrupt it are likely to be disease-causing. For these reasons, this variant has been classified as Pathogenic. This variant has not been reported in the literature in individuals affected with KCNJ10-related conditions. This sequence change creates a premature translational stop signal (p.Val109Glyfs*15) in the KCNJ10 gene. While this is not anticipated to result in nonsense mediated decay, it is expected to disrupt the last 271 amino acid(s) of the KCNJ10 protein. This variant is not present in population databases (gnomAD no frequency).

Literature cited by the submitters: PubMed 19289823; PubMed 20651251; PubMed 20678478; PubMed 20807765; PubMed 21088294; PubMed 23924083.